The following is an entry in ClinVar:

ClinVar aggregate classification (germline): Uncertain significance (1 of 4 stars; one submission).

Conditions:
BAP1-related tumor predisposition syndrome (TPDS1). Also called: TUMOR PREDISPOSITION SYNDROME 1; BAP1 tumor predisposition syndrome; Tumor susceptibility linked to germline BAP1 mutations; COMMON Syndrome. Identifiers: Orphanet 289539, MedGen C3280492, MONDO:0013692, OMIM 614327.

Submission:

Labcorp Genetics (formerly Invitae), Labcorp
Classification: Uncertain significance for BAP1-related tumor predisposition syndrome. Last evaluated: 2022-08-31. Review status: criteria provided, single submitter. Criteria: Invitae Variant Classification Sherloc (09022015). Collection method: clinical testing. Allele origin: germline.
Comment: This variant has not been reported in the literature in individuals affected with BAP1-related conditions. This variant is not present in population databases (gnomAD no frequency). This sequence change replaces aspartic acid, which is acidic and polar, with asparagine, which is neutral and polar, at codon 107 of the BAP1 protein (p.Asp107Asn). ClinVar contains an entry for this variant (Variation ID: 1010643). In summary, the available evidence is currently insufficient to determine the role of this variant in disease. Therefore, it has been classified as a Variant of Uncertain Significance. Algorithms developed to predict the effect of missense changes on protein structure and function (SIFT, PolyPhen-2, Align-GVGD) all suggest that this variant is likely to be tolerated.

NM_004656.4(BAP1):c.319G>A (p.Asp107Asn)

Gene: BAP1 (BRCA1 associated deubiquitinase 1; minus strand). Cytogenetic location: 3p21.1.
Variant type: single nucleotide variant.
Coding change: c.319G>A on transcript NM_004656.4 (MANE Select); coding-DNA position 319, G replaced by A.
Protein change: p.Asp107Asn; replaces aspartic acid 107 with asparagine.
Molecular consequence: missense variant.
Genome position (GRCh38, 1-based): chr3:52,408,014, C>T on the plus strand (G>A on the coding strand, the complement: BAP1 is on the minus strand). VCF-style: chr3-52408014-C-T. GRCh37 (hg19) VCF-style: chr3-52442030-C-T.
Other names: short protein forms D107N.
Identifiers: ClinVar variation 1010643 (VCV001010643.5), dbSNP rs1705220956, ClinGen allele CA353112220.
Genomic context (GRCh38, chr3:52,408,014, plus strand): 5'-CTACCTCAGGGCTGAAACCCTTGGTGAAGTCCTTCATGCGACTCAGGGTGGGTCCCAGGT[C>T]CACGCTGCTGCAGTTCAGGAGCACGCTCAGCAAGGCATGAGTTGCACAAGAGTTGGGTAT-3'
Protein context (NP_004647.1, residues 97-117): LSVLLNCSSV[Asp107Asn]LGPTLSRMKD